The following is an entry in ClinVar:

NM_198060.4(NRAP):c.2818G>A (p.Ala940Thr)

Gene: NRAP (nebulin related anchoring protein; minus strand). Cytogenetic location: 10q25.3.
Variant type: single nucleotide variant.
Coding change: c.2818G>A on transcript NM_198060.4 (MANE Select); coding-DNA position 2818, G replaced by A.
Protein change: p.Ala940Thr; replaces alanine 940 with threonine.
Molecular consequence: missense variant.
Genome position (GRCh38, 1-based): chr10:113,620,660, C>T on the plus strand (G>A on the coding strand, the complement: NRAP is on the minus strand). VCF-style: chr10-113620660-C-T. GRCh37 (hg19) VCF-style: chr10-115380419-C-T.
Other names: c.2818G>A, p.Ala940Thr (NM_001261463.2); c.2710G>A, p.Ala904Thr (NM_001322945.2); c.2713G>A, p.Ala905Thr (NM_006175.5); c.2818G>A (NM_198060.3); short protein forms A904T, A905T, A940T.
Identifiers: ClinVar variation 714337 (VCV000714337.7), dbSNP rs138050139, ClinGen allele CA5695042.

ClinVar aggregate classification (germline): Likely benign. Review status: criteria provided, multiple submitters, no conflicts (2 of 4 stars). 4 submissions from 4 submitters: Likely benign (3). 1 of the submissions does not count toward it. Last evaluated 2025-04-09.

Conditions:
NRAP-related disorder. Also called: NRAP-related condition.

Allele frequency attached by ClinVar (database versions not stated): 1000 Genomes Project 30x 0.00109; TOPMed 0.00115; 1000 Genomes Project 0.00120; gnomAD 0.00125 and 0.00127; gnomAD exomes 0.00140 and 0.00233; ESP Exome Variant Server 0.00146; ExAC 0.00159.
gnomAD v4.1: 3,554 of 1,613,240 alleles (0.22%); highest among the groups gnomAD compares: Non-Finnish European, 0.28%; 5 homozygotes.

Submissions (4):

Molecular Diagnostic Laboratory for Inherited Cardiovascular Disease, Montreal Heart Institute
Classification: Likely benign. Last evaluated: 2025-04-09. Review status: criteria provided, single submitter. Criteria: ACMG Guidelines, 2015. Collection method: clinical testing. Allele origin: germline. Affected: no.
Comment: BP4, BP6

Blueprint Genetics
Classification: Likely benign. Last evaluated: 2024-11-22. Review status: criteria provided, single submitter. Criteria: ACMG Guidelines, 2015. Collection method: clinical testing. Allele origin: germline.

Labcorp Genetics (formerly Invitae), Labcorp
Classification: Likely benign. Last evaluated: 2018-11-20. Review status: criteria provided, single submitter. Criteria: Invitae Variant Classification Sherloc (09022015). Collection method: clinical testing. Allele origin: germline.

PreventionGenetics, part of Exact Sciences
Classification: Likely benign for NRAP-related condition. Last evaluated: 2022-02-16. Review status: no assertion criteria provided. Collection method: clinical testing. Allele origin: germline. Not counted in ClinVar's aggregate classification.
Comment: This variant is classified as likely benign based on ACMG/AMP sequence variant interpretation guidelines (Richards et al. 2015 PMID: 25741868, with internal and published modifications).